The following is an entry in ClinVar:

NM_001174089.2(SLC4A11):c.1416-3C>T

Gene: SLC4A11 (solute carrier family 4 member 11; minus strand). Cytogenetic location: 20p13.
Variant type: single nucleotide variant.
Coding change: c.1416-3C>T on transcript NM_001174089.2 (MANE Select); 3 bases into the intron before coding-DNA position 1416, C replaced by T.
Molecular consequence: intron variant.
Genome position (GRCh38, 1-based): chr20:3,230,263, G>A on the plus strand (C>T on the coding strand, the complement: SLC4A11 is on the minus strand). VCF-style: chr20-3230263-G-A. GRCh37 (hg19) VCF-style: chr20-3210909-G-A.
Other names: c.1302-3C>T (NM_001363745.2); c.1545-3C>T (NM_001174090.2); c.1464-3C>T (NM_032034.4).
Identifiers: ClinVar variation 1425003 (VCV001425003.5), dbSNP rs1487177211, ClinGen allele CA743606174.

ClinVar aggregate classification (germline): Uncertain significance (1 of 4 stars; one submission).

Allele frequency attached by ClinVar (database versions not stated): gnomAD exomes below 0.00001; TOPMed below 0.00001.
gnomAD v4.1: 2 of 1,613,440 alleles (0.00012%); highest among the groups gnomAD compares: Non-Finnish European, 0.000085%; no homozygotes.

Submission:

Labcorp Genetics (formerly Invitae), Labcorp
Classification: Uncertain significance. Last evaluated: 2021-09-16. Review status: criteria provided, single submitter. Criteria: Invitae Variant Classification Sherloc (09022015). Collection method: clinical testing. Allele origin: germline.
Comment: This sequence change falls in intron 11 of the SLC4A11 gene. It does not directly change the encoded amino acid sequence of the SLC4A11 protein, but it affects a nucleotide within the consensus splice site of the intron. This variant is not present in population databases (ExAC no frequency). This variant has not been reported in the literature in individuals with SLC4A11-related conditions. Nucleotide substitutions within the consensus splice site are a relatively common cause of aberrant splicing (PMID: 17576681, 9536098). Algorithms developed to predict the effect of sequence changes on RNA splicing suggest that this variant may disrupt the consensus splice site, but this prediction has not been confirmed by published transcriptional studies. In summary, the available evidence is currently insufficient to determine the role of this variant in disease. Therefore, it has been classified as a Variant of Uncertain Significance.

Literature cited by the submitters: PubMed 17576681; PubMed 9536098.